The following is an entry in ClinVar:

NM_004385.5(VCAN):c.188G>T (p.Arg63Leu)

Gene: VCAN (versican; plus strand). Cytogenetic location: 5q14.2.
Variant type: single nucleotide variant.
Coding change: c.188G>T on transcript NM_004385.5 (MANE Select); coding-DNA position 188, G replaced by T.
Protein change: p.Arg63Leu; replaces arginine 63 with leucine.
Molecular consequence: missense variant.
Genome position (GRCh38, 1-based): chr5:83,490,215, G>T. VCF-style: chr5-83490215-G-T. GRCh37 (hg19) VCF-style: chr5-82786034-G-T.
Other names: c.188G>T, p.Arg63Leu (NM_001126336.3, NM_001164097.2, NM_001164098.2); short protein forms R63L.
Identifiers: ClinVar variation 964139 (VCV000964139.10), dbSNP rs142148754, ClinGen allele CA360295161.
Genomic context (GRCh38, chr5:83,490,215, plus strand): 5'-CTTGTCATTTTTCAACGATGCCTACTTTGCCACCCAGTTACAACACCAGTGAATTTCTCC[G>T]CATCAAATGGTCTAAGATTGAAGTGGACAAAAATGGAAAAGATTTGAAAGAGACTACTGT-3'
Protein context (NP_004376.2, residues 53-73): PPSYNTSEFL[Arg63Leu]IKWSKIEVDK

ClinVar aggregate classification (germline): Uncertain significance. Review status: criteria provided, multiple submitters, no conflicts (2 of 4 stars). 2 submissions from 2 submitters: Uncertain significance (2). Last evaluated 2022-07-18.

gnomAD v4.1: 2 of 1,614,098 alleles (0.00012%); highest among the groups gnomAD compares: Non-Finnish European, 0.00017%; no homozygotes.

Submissions (2):

Labcorp Genetics (formerly Invitae), Labcorp
Classification: Uncertain significance. Last evaluated: 2022-07-18. Review status: criteria provided, single submitter. Criteria: Invitae Variant Classification Sherloc (09022015). Collection method: clinical testing. Allele origin: germline.
Comment: This variant is not present in population databases (gnomAD no frequency). This sequence change replaces arginine, which is basic and polar, with leucine, which is neutral and non-polar, at codon 63 of the VCAN protein (p.Arg63Leu). This variant has not been reported in the literature in individuals affected with VCAN-related conditions. ClinVar contains an entry for this variant (Variation ID: 964139). Algorithms developed to predict the effect of missense changes on protein structure and function are either unavailable or do not agree on the potential impact of this missense change (SIFT: "Deleterious"; PolyPhen-2: "Probably Damaging"; Align-GVGD: "Class C0"). In summary, the available evidence is currently insufficient to determine the role of this variant in disease. Therefore, it has been classified as a Variant of Uncertain Significance.

Blueprint Genetics
Classification: Uncertain significance. Last evaluated: 2021-12-14. Review status: criteria provided, single submitter. Criteria: ACMG Guidelines, 2015. Collection method: clinical testing. Allele origin: germline.